The following is an entry in ClinVar:

ClinVar aggregate classification (germline): Uncertain significance (1 of 4 stars; one submission).

Conditions:
Aspartylglucosaminuria (AGU). Also called: AGA DEFICIENCY; Aspartylglucos-aminuria; Aspartylglucos-amidase (AGA) deficiency; GLYCOASPARAGINASE; GLYCOSYLASPARAGINASE DEFICIENCY. Identifiers: Orphanet 93, MedGen C0268225, MONDO:0008830, OMIM 208400, HP:0012068.

gnomAD v4.1: 1 of 1,612,746 alleles (0.000062%); highest among the groups gnomAD compares: South Asian, 0.0011%; no homozygotes.

Submission:

Labcorp Genetics (formerly Invitae), Labcorp
Classification: Uncertain significance for Aspartylglucosaminuria. Last evaluated: 2022-08-06. Review status: criteria provided, single submitter. Criteria: Invitae Variant Classification Sherloc (09022015). Collection method: clinical testing. Allele origin: germline.
Comment: This sequence change replaces glycine, which is neutral and non-polar, with aspartic acid, which is acidic and polar, at codon 113 of the AGA protein (p.Gly113Asp). This variant is not present in population databases (gnomAD no frequency). This variant has not been reported in the literature in individuals affected with AGA-related conditions. Algorithms developed to predict the effect of missense changes on protein structure and function are either unavailable or do not agree on the potential impact of this missense change (SIFT: "Tolerated"; PolyPhen-2: "Possibly Damaging"; Align-GVGD: "Class C0"). In summary, the available evidence is currently insufficient to determine the role of this variant in disease. Therefore, it has been classified as a Variant of Uncertain Significance.

NM_000027.4(AGA):c.338G>A (p.Gly113Asp)

Gene: AGA (aspartylglucosaminidase; minus strand). Cytogenetic location: 4q34.3.
Variant type: single nucleotide variant.
Coding change: c.338G>A on transcript NM_000027.4 (MANE Select); coding-DNA position 338, G replaced by A.
Protein change: p.Gly113Asp; replaces glycine 113 with aspartic acid.
Molecular consequence: missense variant. On other transcripts: non-coding transcript variant (1).
Genome position (GRCh38, 1-based): chr4:177,439,632, C>T on the plus strand (G>A on the coding strand, the complement: AGA is on the minus strand). VCF-style: chr4-177439632-C-T. GRCh37 (hg19) VCF-style: chr4-178360786-C-T.
Other names: c.338G>A, p.Gly113Asp (NM_001171988.2); short protein forms G113D.
Identifiers: ClinVar variation 1715391 (VCV001715391.3), dbSNP rs763926046, ClinGen allele CA358783676.